The following is an entry in ClinVar:

NM_000059.4(BRCA2):c.4021del (p.Ser1341fs)

Gene: BRCA2 (BRCA2 DNA repair associated; plus strand). Cytogenetic location: 13q13.1.
Variant type: Deletion.
Coding change: c.4021del on transcript NM_000059.4 (MANE Select); coding-DNA position 4021, one base deleted (T; older notation c.4021delT).
Protein change: p.Ser1341fs; shifts the reading frame from serine 1341.
Molecular consequence: frameshift variant.
Genome position (GRCh38, 1-based): chr13:32,338,376, T deleted; the last of 2 consecutive T bases (chr13:32,338,375-32,338,376); deleting either gives the same sequence. VCF-style (leftmost placement, unchanged base first): chr13-32338374-AT-A. GRCh37 (hg19) VCF-style: chr13-32912511-AT-A.
Other names: 4249delT; c.4021delT (NM_000059.3).
Identifiers: ClinVar variation 51582 (VCV000051582.9), dbSNP rs397507702, ClinGen allele CA019401.
Genomic context (GRCh38, chr13:32,338,374, plus strand): 5'-AAGATAACAAATATACTGCTGCCAGTAGAAATTCTCATAACTTAGAATTTGATGGCAGTG[AT>A]TCAAGTAAAAATGATACTGTTTGTATTCATAAAGATGAAACGGACTTGCTATTTACTGAT-3'

ClinVar aggregate classification (germline): Pathogenic. Review status: reviewed by expert panel (3 of 4 stars). 3 submissions from 3 submitters: Pathogenic (1). 2 of the submissions do not count toward it. Last evaluated 2016-10-18.

Conditions:
Hereditary cancer-predisposing syndrome. Also called: Neoplastic Syndromes, Hereditary; Tumor predisposition; Hereditary Cancer Syndrome; Hereditary neoplastic syndrome. Identifiers: Orphanet 140162, MedGen C0027672, MeSH D009386, MONDO:0015356.
Breast-ovarian cancer, familial, susceptibility to, 2 (BROVCA2). Also called: BRCA2 Hereditary Breast and Ovarian Cancer. Identifiers: Orphanet 145, MedGen C2675520, MONDO:0012933, OMIM 612555. Disease mechanism: loss of function.

Submissions (3):

Evidence-based Network for the Interpretation of Germline Mutant Alleles (ENIGMA)
Classification: Pathogenic for Breast-ovarian cancer, familial, susceptibility to, 2. Last evaluated: 2016-10-18. Review status: reviewed by expert panel. Criteria: ENIGMA BRCA1/2 Classification Criteria (2015). Collection method: curation. Allele origin: germline.
Comment: Variant allele predicted to encode a truncated non-functional protein.

Ambry Genetics
Classification: Pathogenic for Hereditary cancer-predisposing syndrome. Last evaluated: 2021-06-23. Review status: criteria provided, single submitter. Criteria: Ambry Variant Classification Scheme 2023. Collection method: clinical testing. Allele origin: germline. Not counted in ClinVar's aggregate classification.
Comment: The c.4021delT pathogenic mutation, located in coding exon 10 of the BRCA2 gene, results from a deletion of one nucleotide at nucleotide position 4021, causing a translational frameshift with a predicted alternate stop codon (p.S1341Qfs*33). This alteration was observed in the germline in an individual with acinar cell carcinoma that showed loss of BRCA2 expression.(Furukawa T et al. Sci Rep, 2015 Mar;5:8829). This alteration was also identified in a large, worldwide study of BRCA1/2 mutation positive families and in 1/135 Japanese individuals from a HBOC cohort; (Rebbeck TR et al. Hum Mutat, 2018 05;39:593-620; Sugano K et al. Cancer Sci, 2008 Oct;99:1967-76). In addition to the information presented in the literature, this alteration is expected to result in loss of function by premature protein truncation or nonsense-mediated mRNA decay. As such, this alteration is interpreted as a disease-causing mutation.

Consortium of Investigators of Modifiers of BRCA1/2 (CIMBA), c/o University of Cambridge
Classification: Pathogenic for Breast-ovarian cancer, familial, susceptibility to, 2. Last evaluated: 2015-10-02. Review status: criteria provided, single submitter. Criteria: CIMBA Mutation Classification guidelines May 2016. Collection method: clinical testing. Allele origin: germline. Not counted in ClinVar's aggregate classification.

Literature cited by the submitters: PubMed 19016756 (cited by Ambry Genetics); PubMed 25743105 (cited by Ambry Genetics); PubMed 29446198 (cited by Ambry Genetics).